The following is an entry in ClinVar:

NM_000321.3(RB1):c.100G>C (p.Glu34Gln)

Gene: RB1 (RB transcriptional corepressor 1; plus strand). Cytogenetic location: 13q14.2.
Variant type: single nucleotide variant.
Coding change: c.100G>C on transcript NM_000321.3 (MANE Select); coding-DNA position 100, G replaced by C.
Protein change: p.Glu34Gln; replaces glutamic acid 34 with glutamine.
Molecular consequence: missense variant.
Genome position (GRCh38, 1-based): chr13:48,304,012, G>C. VCF-style: chr13-48304012-G-C. GRCh37 (hg19) VCF-style: chr13-48878148-G-C.
Other names: short protein forms E34Q.
Identifiers: ClinVar variation 1384379 (VCV001384379.6), dbSNP rs2138027798, ClinGen allele CA388250325.

ClinVar aggregate classification (germline): Uncertain significance (1 of 4 stars; one submission).

Conditions:
Retinoblastoma (RB1). Also called: RETINOBLASTOMA, SOMATIC. Identifiers: Orphanet 790, MedGen C0035335, MeSH D012175, MONDO:0008380, OMIM 180200, HP:0009919. Disease mechanism: loss of function. Inheritance: Both sporadic and heritable forms are tested..

Submission:

Labcorp Genetics (formerly Invitae), Labcorp
Classification: Uncertain significance for Retinoblastoma. Last evaluated: 2022-02-18. Review status: criteria provided, single submitter. Criteria: Invitae Variant Classification Sherloc (09022015). Collection method: clinical testing. Allele origin: germline.
Comment: In summary, the available evidence is currently insufficient to determine the role of this variant in disease. Therefore, it has been classified as a Variant of Uncertain Significance. Algorithms developed to predict the effect of missense changes on protein structure and function (SIFT, PolyPhen-2, Align-GVGD) all suggest that this variant is likely to be tolerated. This variant has not been reported in the literature in individuals affected with RB1-related conditions. This variant is not present in population databases (gnomAD no frequency). This sequence change replaces glutamic acid, which is acidic and polar, with glutamine, which is neutral and polar, at codon 34 of the RB1 protein (p.Glu34Gln).